The following is an entry in ClinVar:

NM_001130438.3(SPTAN1):c.6825C>T (p.Ala2275=)

Gene: SPTAN1 (spectrin alpha, non-erythrocytic 1; plus strand). Cytogenetic location: 9q34.11.
Variant type: single nucleotide variant.
Coding change: c.6825C>T on transcript NM_001130438.3 (MANE Select); coding-DNA position 6825, C replaced by T.
Protein change: p.Ala2275=; no amino-acid change (alanine 2275 retained).
Molecular consequence: synonymous variant.
Genome position (GRCh38, 1-based): chr9:128,632,189, C>T. VCF-style: chr9-128632189-C-T. GRCh37 (hg19) VCF-style: chr9-131394468-C-T.
Other names: c.6750C>T, p.Ala2250= (NM_001195532.2); c.6888C>T, p.Ala2296= (NM_001363759.2); c.6765C>T, p.Ala2255= (NM_001363765.2); c.6810C>T, p.Ala2270= (NM_003127.4).
Identifiers: ClinVar variation 509965 (VCV000509965.9), dbSNP rs755559513, ClinGen allele CA5265918.
Genomic context (GRCh38, chr9:128,632,189, plus strand): 5'-CAAGCACCAGGAAATCCGAGCCATGAGAAGTCAGCTCAAAAAGATCGAGGACCTGGGGGC[C>T]GCCATGGAGGAGGCCCTCATCCTGGACAACAAGTACACGGAGCACAGCACCGTGGGCCTC-3'
Protein context (NP_001123910.1, residues 2265-2285): SQLKKIEDLG[Ala2275=]AMEEALILDN

ClinVar aggregate classification (germline): Likely benign. Review status: criteria provided, multiple submitters, no conflicts (2 of 4 stars). 2 submissions from 2 submitters: Likely benign (2). Last evaluated 2025-12-01.

Conditions:
Early-infantile DEE. Also called: Ohtahara syndrome; Early infantile epileptic encephalopathy; Early infantile epileptic encephalopathy with suppression bursts. Identifiers: Orphanet 1934, MedGen C0393706, MONDO:0800491.

Allele frequency attached by ClinVar (database versions not stated): ExAC 0.00001; gnomAD exomes 0.00001 and 0.00002; TOPMed 0.00002; gnomAD 0.00004 and 0.00005.
gnomAD v4.1: 40 of 1,613,486 alleles (0.0025%); highest among the groups gnomAD compares: African/African-American, 0.0093%; no homozygotes.

Submissions (2):

Labcorp Genetics (formerly Invitae), Labcorp
Classification: Likely benign for Early-infantile DEE. Last evaluated: 2025-12-01. Review status: criteria provided, single submitter. Criteria: Invitae Variant Classification Sherloc (09022015). Collection method: clinical testing. Allele origin: germline.

GeneDx
Classification: Likely benign. Last evaluated: 2017-06-06. Review status: criteria provided, single submitter. Criteria: GeneDx Variant Classification (06012015). Collection method: clinical testing. Allele origin: germline. Affected: yes.
Comment: This variant is considered likely benign or benign based on one or more of the following criteria: it is a conservative change, it occurs at a poorly conserved position in the protein, it is predicted to be benign by multiple in silico algorithms, and/or has population frequency not consistent with disease.